The following is an entry in ClinVar:

NM_000722.4(CACNA2D1):c.2090C>T (p.Ala697Val)

Gene: CACNA2D1 (calcium voltage-gated channel auxiliary subunit alpha2delta 1; minus strand). Cytogenetic location: 7q21.11.
Variant type: single nucleotide variant.
Coding change: c.2090C>T on transcript NM_000722.4 (MANE Select); coding-DNA position 2090, C replaced by T.
Protein change: p.Ala697Val; replaces alanine 697 with valine.
Molecular consequence: missense variant.
Genome position (GRCh38, 1-based): chr7:81,971,828, G>A on the plus strand (C>T on the coding strand, the complement: CACNA2D1 is on the minus strand). VCF-style: chr7-81971828-G-A. GRCh37 (hg19) VCF-style: chr7-81601144-G-A.
Other names: c.2126C>T, p.Ala709Val (NM_001366867.1); short protein forms A697V, A709V.
Identifiers: ClinVar variation 3232256 (VCV003232256.1), dbSNP rs2130456001, ClinGen allele CA367891688.
Genomic context (GRCh38, chr7:81,971,828, plus strand): 5'-AATACTTACATATTTTTCTGCTTACTCCAGTAATTTTGGACAAGTTCATTTGTAAAGCCT[G>A]CATCAAGCAAGACTCTATTAATCAAATCCGCGTTACCTAACACAGAAAAAGATCATCAGT-3'
Protein context (NP_000713.2, residues 687-707): ADLINRVLLD[Ala697Val]GFTNELVQNY

ClinVar aggregate classification (germline): Uncertain significance (1 of 4 stars; one submission).

Conditions:
Cardiovascular phenotype. Identifiers: MedGen CN230736.

Allele frequency attached by ClinVar (database versions not stated): gnomAD exomes below 0.00001.
gnomAD v4.1: 2 of 1,608,050 alleles (0.00012%); highest among the groups gnomAD compares: East Asian, 0.0022%; no homozygotes.

Submission:

Ambry Genetics
Classification: Uncertain significance for Cardiovascular phenotype. Last evaluated: 2023-09-22. Review status: criteria provided, single submitter. Criteria: Ambry Variant Classification Scheme 2023. Collection method: clinical testing. Allele origin: germline.
Comment: The p.A697V variant (also known as c.2090C>T), located in coding exon 26 of the CACNA2D1 gene, results from a C to T substitution at nucleotide position 2090. The alanine at codon 697 is replaced by valine, an amino acid with similar properties. This amino acid position is conserved. In addition, the in silico prediction for this alteration is inconclusive. Since supporting evidence is limited at this time, the clinical significance of this alteration remains unclear.